The following is an entry in ClinVar:

ClinVar aggregate classification (germline): Uncertain significance. Review status: criteria provided, multiple submitters, no conflicts (2 of 4 stars). 2 submissions from 2 submitters: Uncertain significance (2). Last evaluated 2026-06-01.

Conditions:
SH2B1-related disorder. Also called: SH2B1-related condition.

Allele frequency attached by ClinVar (database versions not stated): gnomAD exomes 0.00008; ExAC 0.00020.

Submissions (2):

PreventionGenetics, part of Exact Sciences
Classification: Uncertain significance for SH2B1-related condition. Last evaluated: 2026-06-01. Review status: criteria provided, single submitter. Criteria: ACMG Guidelines, 2015. Collection method: clinical testing. Allele origin: germline.
Comment: The SH2B1 c.1530G>T variant is predicted to result in the amino acid substitution p.Gln510His. To our knowledge, this variant has not been reported in the literature. This variant is reported in 0.15% of alleles in individuals of Latino descent in gnomAD, which may be too common to be an unreported cause of disease. Although we suspect that this variant may be benign, at this time, the clinical significance of this variant is uncertain due to the absence of conclusive functional and genetic evidence.

Labcorp Genetics (formerly Invitae), Labcorp
Classification: Uncertain significance. Last evaluated: 2026-01-12. Review status: criteria provided, single submitter. Criteria: Invitae Variant Classification Sherloc (09022015). Collection method: clinical testing. Allele origin: germline.
Comment: This sequence change replaces glutamine, which is neutral and polar, with histidine, which is basic and polar, at codon 510 of the SH2B1 protein (p.Gln510His). This variant is present in population databases (rs775958552, gnomAD 0.1%), and has an allele count higher than expected for a pathogenic variant. This variant has not been reported in the literature in individuals affected with SH2B1-related conditions. ClinVar contains an entry for this variant (Variation ID: 2634235). An algorithm developed to predict the effect of missense changes on protein structure and function (PolyPhen-2) suggests that this variant is likely to be disruptive. In summary, the available evidence is currently insufficient to determine the role of this variant in disease. Therefore, it has been classified as a Variant of Uncertain Significance.

NM_001387430.1(SH2B1):c.1530G>T (p.Gln510His)

Gene: SH2B1 (SH2B adaptor protein 1; plus strand). Cytogenetic location: 16p11.2.
Variant type: single nucleotide variant.
Coding change: c.1530G>T on transcript NM_001387430.1 (MANE Select); coding-DNA position 1530, G replaced by T.
Protein change: p.Gln510His; replaces glutamine 510 with histidine.
Molecular consequence: missense variant.
Genome position (GRCh38, 1-based): chr16:28,872,206, G>T. VCF-style: chr16-28872206-G-T. GRCh37 (hg19) VCF-style: chr16-28883527-G-T.
Other names: c.1530G>T, p.Gln510His (NM_001145795.2, NM_001145796.2, NM_001145797.2 and 4 more transcripts); c.522G>T, p.Gln174His (NM_001308294.2); short protein forms Q174H, Q510H.
Identifiers: ClinVar variation 2634235 (VCV002634235.6), dbSNP rs775958552, ClinGen allele CA7986246.